The following is an entry in ClinVar:

NM_001407.3(CELSR3):c.9566G>A (p.Arg3189Gln)

Gene: CELSR3 (cadherin EGF LAG seven-pass G-type receptor 3; minus strand). Cytogenetic location: 3p21.31.
Variant type: single nucleotide variant.
Coding change: c.9566G>A on transcript NM_001407.3 (MANE Select); coding-DNA position 9566, G replaced by A.
Protein change: p.Arg3189Gln; replaces arginine 3189 with glutamine.
Molecular consequence: missense variant.
Genome position (GRCh38, 1-based): chr3:48,640,019, C>T on the plus strand (G>A on the coding strand, the complement: CELSR3 is on the minus strand). VCF-style: chr3-48640019-C-T. GRCh37 (hg19) VCF-style: chr3-48677452-C-T.
Other names: NC_000003.11:g.48677452C>T; short protein forms R3189Q.
Identifiers: ClinVar variation 3042664 (VCV003042664.5), dbSNP rs144164666, ClinGen allele CA2383509.

ClinVar aggregate classification (germline): Benign/Likely benign. Review status: criteria provided, multiple submitters, no conflicts (2 of 4 stars). 3 submissions from 3 submitters: Benign (1); Likely benign (1). 1 of the submissions does not count toward it. Last evaluated 2024-11-22.

Conditions:
CELSR3-related disorder. Also called: CELSR3-related condition.
Bladder exstrophy-epispadias-cloacal exstrophy complex. Also called: Exstrophy of the bladder-epispadias; Bladder exstrophy and epispadias complex; Bladder exstrophy-epispadias-cloacal extrophy complex. Identifiers: Orphanet 93930, MedGen C1838703, MONDO:0700039, OMIM 600057.

Allele frequency attached by ClinVar (database versions not stated): ESP Exome Variant Server 0.00062; ExAC 0.00076; TOPMed 0.00090; gnomAD exomes 0.00107; gnomAD 0.00110; 1000 Genomes Project 0.00140; 1000 Genomes Project 30x 0.00156.
gnomAD v4.1: 1,746 of 1,611,782 alleles (0.11%); highest among the groups gnomAD compares: Admixed American, 0.24%; 1 homozygote.

Submissions (4):

Blueprint Genetics
Classification: Likely benign. Last evaluated: 2024-11-22. Review status: criteria provided, single submitter. Criteria: ACMG Guidelines, 2015. Collection method: clinical testing. Allele origin: germline.

Obstetrics and Gynecology Department, Johns Hopkins School Of Medicine
Classification: Benign for Bladder exstrophy-epispadias-cloacal exstrophy complex. Review status: criteria provided, single submitter. Criteria: ACMG Guidelines, 2015. Collection method: research. Allele origin: unknown. Affected: yes.

PreventionGenetics, part of Exact Sciences
Classification: Likely benign for CELSR3-related condition. Last evaluated: 2023-07-22. Review status: no assertion criteria provided. Collection method: clinical testing. Allele origin: germline. Not counted in ClinVar's aggregate classification.
Comment: This variant is classified as likely benign based on ACMG/AMP sequence variant interpretation guidelines (Richards et al. 2015 PMID: 25741868, with internal and published modifications).

Dr. Peter K. Rogan Lab, Western University
No classification provided (evidence only). Condition: Thyroid cancer, nonmedullary, 1. Review status: no classification provided. Collection method: in vitro. Allele origin: not applicable. Functional consequence: retained intron. Not counted in ClinVar's aggregate classification.